The following is an entry in ClinVar:

NM_000489.6(ATRX):c.958A>C (p.Thr320Pro)

Gene: ATRX (ATRX chromatin remodeler; minus strand). Cytogenetic location: Xq21.1.
Variant type: single nucleotide variant.
Coding change: c.958A>C on transcript NM_000489.6 (MANE Select); coding-DNA position 958, A replaced by C.
Protein change: p.Thr320Pro; replaces threonine 320 with proline.
Molecular consequence: missense variant.
Genome position (GRCh38, 1-based): chrX:77,684,298, T>G on the plus strand (A>C on the coding strand, the complement: ATRX is on the minus strand). VCF-style: chrX-77684298-T-G. GRCh37 (hg19) VCF-style: chrX-76939790-T-G.
Other names: c.844A>C, p.Thr282Pro (NM_138270.5); short protein forms T320P, T282P.
Identifiers: ClinVar variation 947544 (VCV000947544.10), dbSNP rs2071431525, ClinGen allele CA413720145.

ClinVar aggregate classification (germline): Uncertain significance (1 of 4 stars; one submission).

Conditions:
Alpha thalassemia-X-linked intellectual disability syndrome (ATRX). Also called: ALPHA-THALASSEMIA/MENTAL RETARDATION SYNDROME, X-LINKED; ATR, NONDELETION TYPE; ATR-X syndrome; Alpha thalassemia mental retardation syndrome, nondeletion type, X-linked; XLMR hypotonic face syndrome; X-linked alpha-thalassemia-mental retardation syndrome. Identifiers: Orphanet 847, MedGen C1845055, MONDO:0010519, OMIM 301040.

Submission:

Labcorp Genetics (formerly Invitae), Labcorp
Classification: Uncertain significance for Alpha thalassemia-X-linked intellectual disability syndrome. Last evaluated: 2019-05-08. Review status: criteria provided, single submitter. Criteria: Invitae Variant Classification Sherloc (09022015). Collection method: clinical testing. Allele origin: germline.
Comment: This variant has not been reported in the literature in individuals with ATRX-related conditions. This sequence change replaces threonine with proline at codon 320 of the ATRX protein (p.Thr320Pro). The threonine residue is weakly conserved and there is a small physicochemical difference between threonine and proline. This variant is not present in population databases (ExAC no frequency). Algorithms developed to predict the effect of missense changes on protein structure and function (SIFT, PolyPhen-2, Align-GVGD) all suggest that this variant is likely to be tolerated, but these predictions have not been confirmed by published functional studies and their clinical significance is uncertain. In summary, the available evidence is currently insufficient to determine the role of this variant in disease. Therefore, it has been classified as a Variant of Uncertain Significance.